The following continues an entry in ClinVar:

NM_007294.4(BRCA1):c.3627dup (p.Glu1210fs)

ClinVar aggregate classification (germline): Pathogenic. Pathogenic (1).

Submissions 9 to 20 of 20:

Baylor Genetics
Classification: Pathogenic for Breast-ovarian cancer, familial, susceptibility to, 1. Last evaluated: 2023-03-16. Review status: criteria provided, single submitter. Criteria: ACMG Guidelines, 2015. Collection method: clinical testing. Allele origin: unknown. Not counted in ClinVar's aggregate classification.

Women's Health and Genetics/Laboratory Corporation of America, LabCorp
Classification: Pathogenic for Hereditary breast and ovarian cancer syndrome. Last evaluated: 2020-09-03. Review status: criteria provided, single submitter. Criteria: LabCorp Variant Classification Summary - May 2015. Collection method: clinical testing. Allele origin: germline. Not counted in ClinVar's aggregate classification.
Comment: Variant summary: BRCA1 c.3627dupA (p.Glu1210ArgfsX9) results in a premature termination codon, predicted to cause a truncation of the encoded protein or absence of the protein due to nonsense mediated decay, which are commonly known mechanisms for disease. Truncations downstream of this position have been classified as pathogenic by our laboratory. The variant allele was found at a frequency of 7.9e-06 in 251602 control chromosomes. c.3627dupA has been reported in the literature in multiple individuals affected with Hereditary Breast And Ovarian Cancer Syndrome (Kim_2006, Lecarpentier_2012, Solano_2013, Peixoto_2014). These data indicate that the variant is very likely to be associated with disease. Ten clinical diagnostic laboratories and one expert panel (ENIGMA) have submitted clinical-significance assessments for this variant to ClinVar after 2014 without evidence for independent evaluation. All laboratories classified the variant as pathogenic. Based on the evidence outlined above, the variant was classified as pathogenic.

Laboratory for Molecular Medicine, Mass General Brigham Personalized Medicine
Classification: Pathogenic for Hereditary breast ovarian cancer syndrome. Last evaluated: 2019-10-14. Review status: criteria provided, single submitter. Criteria: ACMG Guidelines, 2015. Collection method: clinical testing. Allele origin: germline. Not counted in ClinVar's aggregate classification.
Comment: The p.Glu1210ArgfsX9 variant in BRCA1 has been reported in >10 individuals with breast and/or ovarian cancer (HBOC; Kim 2006, George 2013, Hirasawa 2017, Li 2018, BIC database). It has also been identified in 2/18370 East Asian chromosomes by gnomAD; however, this frequency is low enough to be consistent with the frequency of hereditary breast and ovarian cancer in the general population. This variant is predicted to cause a frameshift, which alters the protein’s amino acid sequence beginning at position 1210 and leads to a premature termination codon 9 amino acids downstream. This alteration is then predicted to lead to a truncated or absent protein. Loss of function of the BRCA1 gene is an established disease mechanism in autosomal dominant hereditary breast and ovarian cancer syndrome. Additionally, this variant was classified as Pathogenic on Apr 22, 2016 by the ClinGen-approved ENIGMA expert panel (Variation ID: 37534). In summary, this variant meets criteria to be classified as pathogenic for autosomal dominant HBOC. ACMG/AMP Criteria applied: PVS1, PM2, PS4_M.

Human Genome Sequencing Center Clinical Lab, Baylor College of Medicine
Classification: Pathogenic for Breast-ovarian cancer, familial, susceptibility to, 1. Last evaluated: 2017-05-25. Review status: criteria provided, single submitter. Criteria: ACMG Guidelines, 2015. Collection method: clinical testing. Allele origin: germline. Not counted in ClinVar's aggregate classification.
Comment: The c.3627dup (p.Glu1210Argfs*9) variant in the BRCA1 gene has been detected multiple patients with breast cancer and/or ovarian cancer [PMID 16949048, 23633455, 22160602]. This 1 bp duplication in exon 10 results in a frameshift and the creation of a premature stop codon. This variant is thus predicted to result in a loss of function of the protein. This variant has not been detected in the ExAC database. This variant thus classified as pathogenic.

Quest Diagnostics Nichols Institute San Juan Capistrano
Classification: Pathogenic. Last evaluated: 2016-11-28. Review status: criteria provided, single submitter. Criteria: Quest Diagnostics criteria. Collection method: clinical testing. Allele origin: germline. Not counted in ClinVar's aggregate classification.

Consortium of Investigators of Modifiers of BRCA1/2 (CIMBA), c/o University of Cambridge
Classification: Pathogenic for Breast-ovarian cancer, familial, susceptibility to, 1. Last evaluated: 2015-10-02. Review status: criteria provided, single submitter. Criteria: CIMBA Mutation Classification guidelines May 2016. Collection method: clinical testing. Allele origin: germline. Not counted in ClinVar's aggregate classification.

3DMed Clinical Laboratory Inc
Classification: Pathogenic for Ovarian Serous Surface Papillary Adenocarcinoma. Last evaluated: 2018-05-21. Review status: no assertion criteria provided. Criteria: ACMG Guidelines, 2015. Collection method: clinical testing. Allele origin: germline. Affected: yes. Not counted in ClinVar's aggregate classification.

Counsyl
Classification: Pathogenic for Breast-ovarian cancer, familial 1. Last evaluated: 2015-01-23. Review status: no assertion criteria provided. Collection method: literature only. Allele origin: unknown. Inheritance: Autosomal dominant inheritance. Not counted in ClinVar's aggregate classification.

Research Molecular Genetics Laboratory, Women's College Hospital, University of Toronto
Classification: Pathogenic for Hereditary breast ovarian cancer syndrome. Last evaluated: 2014-01-31. Review status: no assertion criteria provided. Collection method: research. Allele origin: germline. Affected: yes. Study: The Canadian Open Genetics Repository (COGR). Not counted in ClinVar's aggregate classification.

Sharing Clinical Reports Project (SCRP)
Classification: Pathogenic for Breast-ovarian cancer, familial 1. Last evaluated: 2012-02-14. Review status: no assertion criteria provided. Collection method: clinical testing. Allele origin: germline. Not counted in ClinVar's aggregate classification.

Breast Cancer Information Core (BIC) (BRCA1)
Classification: Pathogenic for Breast-ovarian cancer, familial 1. Last evaluated: 2002-05-29. Review status: no assertion criteria provided. Collection method: clinical testing. Allele origin: germline. Affected: yes. Observed: 9 variant alleles. Not counted in ClinVar's aggregate classification.

Department of Pathology and Laboratory Medicine, Sinai Health System
Classification: Pathogenic for Malignant tumor of breast. Review status: no assertion criteria provided. Collection method: clinical testing. Allele origin: unknown. Affected: yes. Study: The Canadian Open Genetics Repository (COGR). Not counted in ClinVar's aggregate classification.
Comment: The BRCA1 p.Glu1210ArgfsX9 variant was identified in 20 of 10984 proband chromosomes (frequency: 0.002) from Korean and American individuals with breast and ovarian cancer and was not identified in 3738 control chromosomes from healthy individuals (Han 2006 17100994, Jang 2012 22217648, Park 2017 28205045 , Song 2014 24728189, Rebbeck 2016 27836010, Kim 2006 16949048, Park 2017 28111427). The variant was identified in 1 breast cancer case with a pathogenic BRCA2 variant, c.6724_6725delGA (Rebbeck 2016 27836010). The variant was also identified in dbSNP (ID: rs80357729) as â€šÃ„ÃºWith Pathogenic alleleâ€šÃ„Ã¹, in ClinVar (classified pathogenic, reviewed by an expert panel in 2016; submitters: ENIGMA, CIMBA, GeneDx, Invitae, Ambry Genetics, Counsyl, Quest Diagnostics Nichols Institute San Juan Capistrano, Color Genomics, Laboratory Corporation of America, SCRP, BIC), Clinvitae (6x), LOVD 3.0, UMD-LSDB (28x as causal), BIC Database (9x as class 5 pathogenic), ARUP Laboratories (as definitely pathogenic), but was not identified in Cosmic, MutDB, Zhejiang University Database, the 1000 Genomes Project, the NHLBI GO Exome Sequencing Project, the Exome Aggregation Consortium (August 8th 2016), or the Genome Aggregation Database (Feb 27, 2017). The c.3627dupA variant is predicted to cause a frameshift, which alters the protein's amino acid sequence beginning at codon 1210 and leads to a premature stop codon 9 codons downstream. This alteration is then predicted to result in a truncated or absent protein and loss of function. Loss of function variants of the BRCA1 gene are an established mechanism of disease in hereditary breast and ovarian cancer and is the type of variant expected to cause the disorder. In summary, based on the above information this variant meets our laboratoryâ€šÃ„Ã´s criteria to be classified as pathogenic.

Literature cited by the submitters: PubMed 20104584 (cited by Labcorp Genetics (formerly Invitae), Labcorp); PubMed 16949048 (cited by 8 submitters); PubMed 22160602 (cited by 4 submitters); PubMed 22382806 (cited by 4 submitters); PubMed 22798144 (cited by 4 submitters); PubMed 23633455 (cited by 5 submitters); PubMed 16084575 (cited by 4 submitters); PubMed 16455195 (cited by 4 submitters); PubMed 20033483 (cited by Color Diagnostics, LLC DBA Color Health and Quest Diagnostics Nichols Institute San Juan Capistrano); PubMed 22762150 (cited by 3 submitters); PubMed 23961350 (cited by 4 submitters); PubMed 24728189 (cited by Color Diagnostics, LLC DBA Color Health and Ambry Genetics); PubMed 24916970 (cited by 4 submitters); PubMed 27167707 (cited by Color Diagnostics, LLC DBA Color Health and Quest Diagnostics Nichols Institute San Juan Capistrano); PubMed 29446198 (cited by Color Diagnostics, LLC DBA Color Health and Ambry Genetics); PubMed 29907814 (cited by Color Diagnostics, LLC DBA Color Health and Ambry Genetics); PubMed 30257646 (cited by Color Diagnostics, LLC DBA Color Health and Ambry Genetics); PubMed 31853058 (cited by Color Diagnostics, LLC DBA Color Health); PubMed 32019277 (cited by Color Diagnostics, LLC DBA Color Health); PubMed 40413188 (cited by Color Diagnostics, LLC DBA Color Health); PubMed 17100994 (cited by Ambry Genetics and Counsyl); PubMed 19656164 (cited by Ambry Genetics); PubMed 22217648 (cited by Ambry Genetics); PubMed 27836010 (cited by Ambry Genetics); PubMed 28111427 (cited by Ambry Genetics); PubMed 29348823 (cited by Ambry Genetics and Laboratory for Molecular Medicine, Mass General Brigham Personalized Medicine); PubMed 30702160 (cited by Ambry Genetics); PubMed 30078507 (cited by Laboratory for Molecular Medicine, Mass General Brigham Personalized Medicine); PubMed 25863477 (cited by Quest Diagnostics Nichols Institute San Juan Capistrano); PubMed 26402875 (cited by Quest Diagnostics Nichols Institute San Juan Capistrano); PubMed 20950396 (cited by Counsyl).